The following is an entry in ClinVar:

NM_006734.4(HIVEP2):c.2936T>G (p.Phe979Cys)

Gene: HIVEP2 (HIVEP zinc finger 2; minus strand). Cytogenetic location: 6q24.2.
Variant type: single nucleotide variant.
Coding change: c.2936T>G on transcript NM_006734.4 (MANE Select); coding-DNA position 2936, T replaced by G.
Protein change: p.Phe979Cys; replaces phenylalanine 979 with cysteine.
Molecular consequence: missense variant.
Genome position (GRCh38, 1-based): chr6:142,771,803, A>C on the plus strand (T>G on the coding strand, the complement: HIVEP2 is on the minus strand). VCF-style: chr6-142771803-A-C. GRCh37 (hg19) VCF-style: chr6-143092940-A-C.
Other names: short protein forms F979C.
Identifiers: ClinVar variation 4035380 (VCV004035380.2).
Genomic context (GRCh38, chr6:142,771,803, plus strand): 5'-TCATCCTGCTTAGGAAGTGCAGAAAGCTTACTGGTTTCTTCTCTTTCAAAAGACATGGAG[A>C]AACTGGAGCTGTGGGACAAGTTGCTTTCTTGGCTGGGGCTGCGGGAGAGGCCTGTGCCTG-3'
Protein context (NP_006725.3, residues 969-989): QESNLSHSSS[Phe979Cys]SMSFEREETS

ClinVar aggregate classification (germline): Conflicting classifications of pathogenicity. Review status: criteria provided, conflicting classifications (1 of 4 stars). 2 submissions from 2 submitters: Uncertain significance (1); Likely benign (1). Last evaluated 2026-03-17.

Conditions:
Inborn genetic diseases. Identifiers: MedGen C0950123, MeSH D030342.

gnomAD v4.1: 7 of 1,614,226 alleles (0.00043%); highest among the groups gnomAD compares: Admixed American, 0.012%; no homozygotes.

Submissions (2):

Women's Health and Genetics/Laboratory Corporation of America, LabCorp
Classification: Uncertain significance. Last evaluated: 2026-03-17. Review status: criteria provided, single submitter. Criteria: LabCorp Variant Classification Summary - May 2015. Collection method: clinical testing. Allele origin: germline.
Comment: Variant summary: HIVEP2 c.2936T>G (p.Phe979Cys) results in a non-conservative amino acid change in the encoded protein sequence. Algorithms developed to predict the effect of missense changes on protein structure and function are either unavailable or do not agree on the potential impact of this missense change. The variant allele was found at a frequency of 2e-05 in 249550 control chromosomes. The available data on variant occurrences in the general population are insufficient to allow any conclusion about variant significance. To our knowledge, no occurrence of c.2936T>G in individuals affected with HIVEP2-related conditions and no experimental evidence demonstrating its impact on protein function have been reported. ClinVar contains an entry for this variant (Variation ID: 4035380). Based on the evidence outlined above, the variant was classified as uncertain significance.

Ambry Genetics
Classification: Likely benign for Inborn genetic diseases. Last evaluated: 2025-05-13. Review status: criteria provided, single submitter. Criteria: Ambry Variant Classification Scheme 2023. Collection method: clinical testing. Allele origin: germline.